The following is an entry in ClinVar:

ClinVar aggregate classification (germline): Likely benign. Review status: criteria provided, multiple submitters, no conflicts (2 of 4 stars). 2 submissions from 2 submitters: Likely benign (2). Last evaluated 2026-06-10.

Conditions:
PCNT-related disorder. Also called: PCNT-related condition.

Allele frequency attached by ClinVar (database versions not stated): gnomAD 0.00001; gnomAD exomes 0.00001; TOPMed 0.00001.
gnomAD v4.1: 19 of 1,614,030 alleles (0.0012%); highest among the groups gnomAD compares: Non-Finnish European, 0.0015%; no homozygotes.

Submissions (2):

PreventionGenetics, part of Exact Sciences
Classification: Likely benign for PCNT-related condition. Last evaluated: 2026-06-10. Review status: criteria provided, single submitter. Criteria: ACMG Guidelines, 2015. Collection method: clinical testing. Allele origin: germline.
Comment: This variant is classified as likely benign based on ACMG/AMP sequence variant interpretation guidelines (Richards et al. 2015 PMID: 25741868, with internal and published modifications).

Labcorp Genetics (formerly Invitae), Labcorp
Classification: Likely benign. Last evaluated: 2024-02-22. Review status: criteria provided, single submitter. Criteria: Invitae Variant Classification Sherloc (09022015). Collection method: clinical testing. Allele origin: germline.

NM_006031.6(PCNT):c.4305G>A (p.Gln1435=)

Gene: PCNT (pericentrin; plus strand). Cytogenetic location: 21q22.3.
Variant type: single nucleotide variant.
Coding change: c.4305G>A on transcript NM_006031.6 (MANE Select); coding-DNA position 4305, G replaced by A.
Protein change: p.Gln1435=; no amino-acid change (glutamine 1435 retained).
Molecular consequence: synonymous variant.
Genome position (GRCh38, 1-based): chr21:46,397,353, G>A. VCF-style: chr21-46397353-G-A. GRCh37 (hg19) VCF-style: chr21-47817267-G-A.
Other names: c.4305G>A (NM_006031.5); c.3951G>A, p.Gln1317= (NM_001315529.2).
Identifiers: ClinVar variation 2967112 (VCV002967112.4), dbSNP rs971370797, ClinGen allele CA322035571.
Genomic context (GRCh38, chr21:46,397,353, plus strand): 5'-CAAAGAACAGTCGGAGACCAGGAAGCAGGCTGAGAAGGACCGCTCAGCCCTGCTCTCCCA[G>A]ATGAAGATTTTGGAGTCTGAGTTAGAAGAACAGCTGTCTCAGCATCGCGGGTGTGCCAAG-3'
Protein context (NP_006022.3, residues 1425-1445): AEKDRSALLS[Gln1435=]MKILESELEE